The following is an entry in ClinVar:

ClinVar aggregate classification (germline): Likely benign (1 of 4 stars; one submission).

Submission:

CeGaT Center for Human Genetics Tuebingen
Classification: Likely benign. Last evaluated: 2024-09-01. Review status: criteria provided, single submitter. Criteria: CeGaT Center For Human Genetics Tuebingen Variant Classification Criteria Version 2. Collection method: clinical testing. Allele origin: germline. Affected: yes. Observed: 1 variant allele.
Comment: ZNF384: PM2:Supporting, BP4, BP7

NM_001385745.1(ZNF384):c.267G>C (p.Thr89=)

Gene: ZNF384 (zinc finger protein 384; minus strand). Cytogenetic location: 12p13.31.
Variant type: single nucleotide variant.
Coding change: c.267G>C on transcript NM_001385745.1 (MANE Select); coding-DNA position 267, G replaced by C.
Protein change: p.Thr89=; no amino-acid change (threonine 89 retained).
Molecular consequence: synonymous variant. On other transcripts: non-coding transcript variant (5).
Genome position (GRCh38, 1-based): chr12:6,678,983, C>G on the plus strand (G>C on the coding strand, the complement: ZNF384 is on the minus strand). VCF-style: chr12-6678983-C-G. GRCh37 (hg19) VCF-style: chr12-6788149-C-G.
Other names: c.267G>C, p.Thr89= (NM_001385765.1, NM_001385766.1, NM_001385767.1 and 62 more transcripts).
Identifiers: ClinVar variation 3389636 (VCV003389636.14).